The following is an entry in ClinVar:

NM_002693.3(POLG):c.1585+15T>G

Gene: POLG (DNA polymerase gamma, catalytic subunit; minus strand). Cytogenetic location: 15q26.1.
Variant type: single nucleotide variant.
Coding change: c.1585+15T>G on transcript NM_002693.3 (MANE Select); 15 bases into the intron after coding-DNA position 1585, T replaced by G.
Molecular consequence: intron variant.
Genome position (GRCh38, 1-based): chr15:89,326,897, A>C on the plus strand (T>G on the coding strand, the complement: POLG is on the minus strand). VCF-style: chr15-89326897-A-C. GRCh37 (hg19) VCF-style: chr15-89870128-A-C.
Other names: c.1585+15T>G (NM_001126131.2).
Identifiers: ClinVar variation 506636 (VCV000506636.7), dbSNP rs534475232, ClinGen allele CA7724800.

ClinVar aggregate classification (germline): Likely benign. Review status: criteria provided, multiple submitters, no conflicts (2 of 4 stars). 3 submissions from 3 submitters: Likely benign (3). Last evaluated 2026-02-11.

Conditions:
POLG-related disorder. Also called: POLG-related condition; POLG-Related Disorders; POLG-Related Spectrum Disorders. Identifiers: MedGen C4763519.
Progressive sclerosing poliodystrophy (MTDPS4A). Also called: Alpers-Huttenlocher Syndrome (AHS); ALPERS PROGRESSIVE INFANTILE POLIODYSTROPHY; Alpers Syndrome; ALPERS DIFFUSE DEGENERATION OF CEREBRAL GRAY MATTER WITH HEPATIC CIRRHOSIS; Alpers-Huttenlocher Syndrome; NEURONAL DEGENERATION OF CHILDHOOD WITH LIVER DISEASE, PROGRESSIVE. Identifiers: Orphanet 726, MedGen C0205710, MONDO:0008758, OMIM 203700.

Allele frequency attached by ClinVar (database versions not stated): gnomAD below 0.00001 and 0.00001; gnomAD exomes 0.00001 and 0.00004; ExAC 0.00002; 1000 Genomes Project 30x 0.00016; 1000 Genomes Project 0.00020.
gnomAD v4.1: 21 of 1,613,490 alleles (0.0013%); highest among the groups gnomAD compares: South Asian, 0.023%; no homozygotes.

Submissions (3):

PreventionGenetics, part of Exact Sciences
Classification: Likely benign for POLG-related condition. Last evaluated: 2026-02-11. Review status: criteria provided, single submitter. Criteria: ACMG Guidelines, 2015. Collection method: clinical testing. Allele origin: germline.
Comment: This variant is classified as likely benign based on ACMG/AMP sequence variant interpretation guidelines (Richards et al. 2015 PMID: 25741868, with internal and published modifications).

Labcorp Genetics (formerly Invitae), Labcorp
Classification: Likely benign for Progressive sclerosing poliodystrophy. Last evaluated: 2025-12-03. Review status: criteria provided, single submitter. Criteria: Invitae Variant Classification Sherloc (09022015). Collection method: clinical testing. Allele origin: germline.

GeneDx
Classification: Likely benign. Last evaluated: 2017-04-10. Review status: criteria provided, single submitter. Criteria: GeneDx Variant Classification (06012015). Collection method: clinical testing. Allele origin: germline. Affected: yes.
Comment: This variant is considered likely benign or benign based on one or more of the following criteria: it is a conservative change, it occurs at a poorly conserved position in the protein, it is predicted to be benign by multiple in silico algorithms, and/or has population frequency not consistent with disease.